The following is an entry in ClinVar:

NM_001194.4(HCN2):c.941C>G (p.Ser314Cys)

Genes: HCN2 (hyperpolarization activated cyclic nucleotide gated potassium and sodium channel 2; plus strand), LOC129391015 (MPRA-validated peak3211 silencer; plus strand). Cytogenetic location: 19p13.3.
Variant type: single nucleotide variant.
Coding change: c.941C>G on transcript NM_001194.4 (MANE Select); coding-DNA position 941, C replaced by G.
Protein change: p.Ser314Cys; replaces serine 314 with cysteine.
Molecular consequence: missense variant.
Genome position (GRCh38, 1-based): chr19:603,852, C>G. VCF-style: chr19-603852-C-G. GRCh37 (hg19) VCF-style: chr19-603852-C-G.
Other names: short protein forms S314C.
Identifiers: ClinVar variation 3393626 (VCV003393626.1).
Genomic context (GRCh38, chr19:603,852, plus strand): 5'-ACTTCGTGTCCTCCATCCCCGTGGACTACATCTTCCTTATCGTGGAGAAGGGCATTGACT[C>G]CGAGGTCTACAAGACGGCACGCGCCCTGCGCATCGTGCGCTTCACCAAGATCCTCAGCCT-3'
Protein context (NP_001185.3, residues 304-324): IFLIVEKGID[Ser314Cys]EVYKTARALR

ClinVar aggregate classification (germline): Uncertain significance (1 of 4 stars; one submission).

Submission:

GeneDx
Classification: Uncertain significance. Last evaluated: 2024-06-30. Review status: criteria provided, single submitter. Criteria: GeneDx Variant Classification Process June 2021. Collection method: clinical testing. Allele origin: germline. Affected: yes.
Comment: Not observed at significant frequency in large population cohorts (gnomAD); In silico analysis supports that this missense variant has a deleterious effect on protein structure/function; Has not been previously published as pathogenic or benign to our knowledge